The following is an entry in ClinVar:

ClinVar aggregate classification (germline): Uncertain significance. Review status: criteria provided, multiple submitters, no conflicts (2 of 4 stars). 2 submissions from 2 submitters: Uncertain significance (2). Last evaluated 2025-03-28.

Allele frequency attached by ClinVar (database versions not stated): ExAC 0.00001; gnomAD exomes 0.00001; gnomAD 0.00002; TOPMed 0.00003.
gnomAD v4.1: 16 of 1,565,906 alleles (0.001%); highest among the groups gnomAD compares: Middle Eastern, 0.017%; no homozygotes.

Submissions (2):

Ambry Genetics
Classification: Uncertain significance. Last evaluated: 2025-03-28. Review status: criteria provided, single submitter. Criteria: Ambry Variant Classification Scheme 2023. Collection method: clinical testing. Allele origin: germline.

Labcorp Genetics (formerly Invitae), Labcorp
Classification: Uncertain significance. Last evaluated: 2025-01-06. Review status: criteria provided, single submitter. Criteria: Invitae Variant Classification Sherloc (09022015). Collection method: clinical testing. Allele origin: germline.
Comment: This sequence change replaces threonine, which is neutral and polar, with alanine, which is neutral and non-polar, at codon 204 of the EIF2AK1 protein (p.Thr204Ala). This variant is not present in population databases (gnomAD no frequency). This variant has not been reported in the literature in individuals affected with EIF2AK1-related conditions. ClinVar contains an entry for this variant (Variation ID: 2783394). An algorithm developed to predict the effect of missense changes on protein structure and function (PolyPhen-2) suggests that this variant is likely to be disruptive. In summary, the available evidence is currently insufficient to determine the role of this variant in disease. Therefore, it has been classified as a Variant of Uncertain Significance.

NM_014413.4(EIF2AK1):c.610A>G (p.Thr204Ala)

Gene: EIF2AK1 (eukaryotic translation initiation factor 2 alpha kinase 1; minus strand). Cytogenetic location: 7p22.1.
Variant type: single nucleotide variant.
Coding change: c.610A>G on transcript NM_014413.4 (MANE Select); coding-DNA position 610, A replaced by G.
Protein change: p.Thr204Ala; replaces threonine 204 with alanine.
Molecular consequence: missense variant.
Genome position (GRCh38, 1-based): chr7:6,046,091, T>C on the plus strand (A>G on the coding strand, the complement: EIF2AK1 is on the minus strand). VCF-style: chr7-6046091-T-C. GRCh37 (hg19) VCF-style: chr7-6085722-T-C.
Other names: c.610A>G, p.Thr204Ala (NM_001134335.2); c.610A>G (NM_014413.3); short protein forms T204A.
Identifiers: ClinVar variation 2783394 (VCV002783394.4), dbSNP rs767365918, ClinGen allele CA4151130.